The following is an entry in ClinVar:

ClinVar aggregate classification (germline): Uncertain significance. Review status: criteria provided, multiple submitters, no conflicts (2 of 4 stars). 2 submissions from 2 submitters: Uncertain significance (2). Last evaluated 2023-08-24.

Conditions:
Glycogen storage disease, type II (IOPD). Also called: GLYCOGENOSIS, GENERALIZED, CARDIAC FORM; GSD II; Glycogen storage disease type 2; Acid maltase deficiency disease; Aglucosidase alfa; Deficiency of alpha-glucosidase. Identifiers: Orphanet 365, MedGen C0017921, MONDO:0009290, OMIM 232300.

Allele frequency attached by ClinVar (database versions not stated): gnomAD exomes below 0.00001 and 0.00001.
gnomAD v4.1: 2 of 1,613,710 alleles (0.00012%); highest among the groups gnomAD compares: Admixed American, 0.0017%; no homozygotes.

Submissions (2):

Labcorp Genetics (formerly Invitae), Labcorp
Classification: Uncertain significance for Glycogen storage disease, type II. Last evaluated: 2023-08-24. Review status: criteria provided, single submitter. Criteria: Invitae Variant Classification Sherloc (09022015). Collection method: clinical testing. Allele origin: germline.
Comment: In summary, the available evidence is currently insufficient to determine the role of this variant in disease. Therefore, it has been classified as a Variant of Uncertain Significance. Advanced modeling of protein sequence and biophysical properties (such as structural, functional, and spatial information, amino acid conservation, physicochemical variation, residue mobility, and thermodynamic stability) performed at Invitae indicates that this missense variant is expected to disrupt GAA protein function. ClinVar contains an entry for this variant (Variation ID: 1026318). This variant has not been reported in the literature in individuals affected with GAA-related conditions. This variant is present in population databases (no rsID available, gnomAD 0.006%). This sequence change replaces aspartic acid, which is acidic and polar, with tyrosine, which is neutral and polar, at codon 338 of the GAA protein (p.Asp338Tyr).

Revvity Omics, Revvity
Classification: Uncertain significance. Last evaluated: 2020-03-16. Review status: criteria provided, single submitter. Criteria: ACMG Guidelines, 2015. Collection method: clinical testing. Allele origin: germline.

NM_000152.5(GAA):c.1012G>T (p.Asp338Tyr)

Gene: GAA (alpha glucosidase; plus strand). Cytogenetic location: 17q25.3.
Variant type: single nucleotide variant.
Coding change: c.1012G>T on transcript NM_000152.5 (MANE Select); coding-DNA position 1012, G replaced by T.
Protein change: p.Asp338Tyr; replaces aspartic acid 338 with tyrosine.
Molecular consequence: missense variant.
Genome position (GRCh38, 1-based): chr17:80,108,346, G>T. VCF-style: chr17-80108346-G-T. GRCh37 (hg19) VCF-style: chr17-78082145-G-T.
Other names: c.1012G>T, p.Asp338Tyr (NM_001079803.3, NM_001079804.3); c.1012G>T (NM_000152.3); short protein forms D338Y.
Identifiers: ClinVar variation 1026318 (VCV001026318.11), dbSNP rs1334402365, ClinGen allele CA401364575.